The following is an entry in ClinVar:

NM_001160372.4(TRAPPC9):c.2584T>C (p.Tyr862His)

Gene: TRAPPC9 (trafficking protein particle complex subunit 9; minus strand). Cytogenetic location: 8q24.3.
Variant type: single nucleotide variant.
Coding change: c.2584T>C on transcript NM_001160372.4 (MANE Select); coding-DNA position 2584, T replaced by C.
Protein change: p.Tyr862His; replaces tyrosine 862 with histidine.
Molecular consequence: missense variant. On other transcripts: non-coding transcript variant (1).
Genome position (GRCh38, 1-based): chr8:140,024,052, A>G on the plus strand (T>C on the coding strand, the complement: TRAPPC9 is on the minus strand). VCF-style: chr8-140024052-A-G. GRCh37 (hg19) VCF-style: chr8-141034149-A-G.
Other names: c.2557T>C, p.Tyr853His (NM_001321646.2); c.2605T>C, p.Tyr869His (NM_001374682.1); c.2584T>C, p.Tyr862His (NM_001374683.1, NM_031466.8); c.2440T>C, p.Tyr814His (NM_001374684.1); short protein forms Y814H, Y862H, Y869H, Y853H.
Identifiers: ClinVar variation 1797127 (VCV001797127.2), dbSNP rs765759784, ClinGen allele CA372735773.

ClinVar aggregate classification (germline): Uncertain significance (1 of 4 stars; one submission).

Conditions:
Inborn genetic diseases. Identifiers: MedGen C0950123, MeSH D030342.

Submission:

Ambry Genetics
Classification: Uncertain significance for Inborn genetic diseases. Last evaluated: 2019-08-19. Review status: criteria provided, single submitter. Criteria: Ambry Variant Classification Scheme 2023. Collection method: clinical testing. Allele origin: germline.
Comment: The p.Y960H variant (also known as c.2878T>C), located in coding exon 18 of the TRAPPC9 gene, results from a T to C substitution at nucleotide position 2878. The tyrosine at codon 960 is replaced by histidine, an amino acid with similar properties. This amino acid position is highly conserved in available vertebrate species. In addition, this alteration is predicted to be deleterious by in silico analysis. Since supporting evidence is limited at this time, the clinical significance of this alteration remains unclear.